The following is an entry in ClinVar:

NM_001371928.1(AHDC1):c.4237C>T (p.Arg1413Trp)

Gene: AHDC1 (AT-hook DNA binding motif containing 1; minus strand). Cytogenetic location: 1p36.11.
Variant type: single nucleotide variant.
Coding change: c.4237C>T on transcript NM_001371928.1 (MANE Select); coding-DNA position 4237, C replaced by T.
Protein change: p.Arg1413Trp; replaces arginine 1413 with tryptophan.
Molecular consequence: missense variant.
Genome position (GRCh38, 1-based): chr1:27,547,879, G>A on the plus strand (C>T on the coding strand, the complement: AHDC1 is on the minus strand). VCF-style: chr1-27547879-G-A. GRCh37 (hg19) VCF-style: chr1-27874390-G-A.
Other names: c.4237C>T, p.Arg1413Trp (NM_001029882.3); short protein forms R1413W.
Identifiers: ClinVar variation 1492403 (VCV001492403.7), dbSNP rs777716141, ClinGen allele CA715404.

ClinVar aggregate classification (germline): Uncertain significance. Review status: criteria provided, multiple submitters, no conflicts (2 of 4 stars). 2 submissions from 2 submitters: Uncertain significance (2). Last evaluated 2025-01-07.

Conditions:
AHDC1-related intellectual disability - obstructive sleep apnea - mild dysmorphism syndrome. Also called: Xia-Gibbs syndrome. Identifiers: Orphanet 412069, MedGen C4014419, MONDO:0014358, OMIM 615829.

Allele frequency attached by ClinVar (database versions not stated): gnomAD exomes 0.00002 and 0.00003; TOPMed 0.00004; gnomAD 0.00006 and 0.00007; ExAC 0.00007.
gnomAD v4.1: 46 of 1,551,986 alleles (0.003%); highest among the groups gnomAD compares: Non-Finnish European, 0.0037%; no homozygotes.

Submissions (2):

Labcorp Genetics (formerly Invitae), Labcorp
Classification: Uncertain significance. Last evaluated: 2025-01-07. Review status: criteria provided, single submitter. Criteria: Invitae Variant Classification Sherloc (09022015). Collection method: clinical testing. Allele origin: germline.
Comment: This sequence change replaces arginine, which is basic and polar, with tryptophan, which is neutral and slightly polar, at codon 1413 of the AHDC1 protein (p.Arg1413Trp). This variant is present in population databases (rs777716141, gnomAD 0.009%). This variant has not been reported in the literature in individuals affected with AHDC1-related conditions. ClinVar contains an entry for this variant (Variation ID: 1492403). An algorithm developed to predict the effect of missense changes on protein structure and function (PolyPhen-2) suggests that this variant is likely to be disruptive. In summary, the available evidence is currently insufficient to determine the role of this variant in disease. Therefore, it has been classified as a Variant of Uncertain Significance.

Institute of Human Genetics, University Hospital of Duesseldorf
Classification: Uncertain significance for AHDC1-related intellectual disability - obstructive sleep apnea - mild dysmorphism syndrome. Review status: criteria provided, single submitter. Criteria: ACMG Guidelines, 2015. Collection method: not provided. Allele origin: germline. Inheritance: Autosomal dominant inheritance. Affected: yes.